The following is an entry in ClinVar:

ClinVar aggregate classification (germline): Conflicting classifications of pathogenicity. Review status: criteria provided, conflicting classifications (1 of 4 stars). 2 submissions from 2 submitters: Likely pathogenic (1); Uncertain significance (1). Last evaluated 2020-02-14.

Conditions:
Metachromatic leukodystrophy (MLD). Also called: ARSA DEFICIENCY; CEREBROSIDE SULFATASE DEFICIENCY; Arylsulfatase A Deficiency; METACHROMATIC LEUKOENCEPHALOPATHY; SULFATIDE LIPIDOSIS; Cerebral sclerosis diffuse metachromatic form. Identifiers: Orphanet 512, MedGen C0023522, MONDO:0018868, OMIM 250100.

gnomAD v4.1: 1 of 1,563,266 alleles (0.000064%); highest among the groups gnomAD compares: East Asian, 0.0024%; no homozygotes.

Submissions (2):

GeneDx
Classification: Uncertain significance. Last evaluated: 2020-02-14. Review status: criteria provided, single submitter. Criteria: GeneDx Variant Classification Process June 2021. Collection method: clinical testing. Allele origin: germline. Affected: yes.
Comment: Not observed in large population cohorts (Lek et al., 2016); In silico analysis supports that this missense variant has a deleterious effect on protein structure/function; Has not been previously published as pathogenic or benign to our knowledge

Medical Molecular Genetics Department, National Research Center
Classification: Likely pathogenic for Metachromatic leukodystrophy. Review status: criteria provided, single submitter. Criteria: ACMG Guidelines, 2015. Collection method: clinical testing. Allele origin: inherited. Affected: yes.

NM_000487.6(ARSA):c.179G>C (p.Arg60Pro)

Gene: ARSA (arylsulfatase A; minus strand). Cytogenetic location: 22q13.33.
Variant type: single nucleotide variant.
Coding change: c.179G>C on transcript NM_000487.6 (MANE Select); coding-DNA position 179, G replaced by C.
Protein change: p.Arg60Pro; replaces arginine 60 with proline.
Molecular consequence: missense variant. On other transcripts: intron variant (2).
Genome position (GRCh38, 1-based): chr22:50,627,601, C>G on the plus strand (G>C on the coding strand, the complement: ARSA is on the minus strand). VCF-style: chr22-50627601-C-G. GRCh37 (hg19) VCF-style: chr22-51066029-C-G.
Other names: c.179G>C (NM_000487.5); c.179G>C, p.Arg60Pro (NM_001085425.3, NM_001085426.3, NM_001085427.3); c.-34-195G>C (NM_001362782.2, NM_001085428.3); short protein forms R60P.
Identifiers: ClinVar variation 800494 (VCV000800494.3), dbSNP rs750005732, ClinGen allele CA412182401.